The following is an entry in ClinVar:

ClinVar aggregate classification (germline): Uncertain significance (1 of 4 stars; one submission).

Allele frequency attached by ClinVar (database versions not stated): gnomAD exomes below 0.00001 and 0.00001; ExAC 0.00001.

Submission:

Labcorp Genetics (formerly Invitae), Labcorp
Classification: Uncertain significance. Last evaluated: 2025-09-30. Review status: criteria provided, single submitter. Criteria: Invitae Variant Classification Sherloc (09022015). Collection method: clinical testing. Allele origin: germline.
Comment: This sequence change replaces methionine, which is neutral and non-polar, with threonine, which is neutral and polar, at codon 168 of the TIMP3 protein (p.Met168Thr). This variant is present in population databases (rs780066765, gnomAD 0.003%). This variant has not been reported in the literature in individuals affected with TIMP3-related conditions. ClinVar contains an entry for this variant (Variation ID: 1510204). An algorithm developed to predict the effect of missense changes on protein structure and function (PolyPhen-2) suggests that this variant is likely to be disruptive. In summary, the available evidence is currently insufficient to determine the role of this variant in disease. Therefore, it has been classified as a Variant of Uncertain Significance.

NM_000362.5(TIMP3):c.503T>C (p.Met168Thr)

Genes: SYN3 (synapsin III; minus strand), TIMP3 (TIMP metallopeptidase inhibitor 3; plus strand). Cytogenetic location: 22q12.3.
Variant type: single nucleotide variant.
Coding change: c.503T>C on transcript NM_000362.5 (MANE Select); coding-DNA position 503, T replaced by C.
Protein change: p.Met168Thr; replaces methionine 168 with threonine.
Molecular consequence: missense variant. On other transcripts: intron variant (7).
Genome position (GRCh38, 1-based): chr22:32,859,244, T>C. VCF-style: chr22-32859244-T-C. GRCh37 (hg19) VCF-style: chr22-33255231-T-C.
Other names: c.708+5671A>G (NM_001369909.1, NM_001135774.2, NM_001369910.1); c.711+5671A>G (NM_001369907.1, NM_003490.4, NM_001369908.1 and 1 more transcripts); short protein forms M168T.
Identifiers: ClinVar variation 1510204 (VCV001510204.8), dbSNP rs780066765, ClinGen allele CA10202277.